The following is an entry in ClinVar:

ClinVar aggregate classification (germline): Uncertain significance (1 of 4 stars; one submission).

Conditions:
Fanconi anemia (FA). Also called: Fanconi's anemia. Identifiers: Orphanet 84, MedGen C0015625, MeSH D005199, MONDO:0019391.

gnomAD v4.1: 1 of 1,614,114 alleles (0.000062%); highest among the groups gnomAD compares: Admixed American, 0.0017%; no homozygotes.

Submission:

Labcorp Genetics (formerly Invitae), Labcorp
Classification: Uncertain significance for Fanconi anemia. Last evaluated: 2024-02-15. Review status: criteria provided, single submitter. Criteria: Invitae Variant Classification Sherloc (09022015). Collection method: clinical testing. Allele origin: germline.
Comment: This sequence change replaces asparagine, which is neutral and polar, with histidine, which is basic and polar, at codon 1691 of the SLX4 protein (p.Asn1691His). This variant is not present in population databases (gnomAD no frequency). This variant has not been reported in the literature in individuals affected with SLX4-related conditions. An algorithm developed to predict the effect of missense changes on protein structure and function (PolyPhen-2) suggests that this variant is likely to be tolerated. In summary, the available evidence is currently insufficient to determine the role of this variant in disease. Therefore, it has been classified as a Variant of Uncertain Significance.

NM_032444.4(SLX4):c.5071A>C (p.Asn1691His)

Gene: SLX4 (SLX4 structure-specific endonuclease subunit; minus strand). Cytogenetic location: 16p13.3.
Variant type: single nucleotide variant.
Coding change: c.5071A>C on transcript NM_032444.4 (MANE Select); coding-DNA position 5071, A replaced by C.
Protein change: p.Asn1691His; replaces asparagine 1691 with histidine.
Molecular consequence: missense variant.
Genome position (GRCh38, 1-based): chr16:3,583,179, T>G on the plus strand (A>C on the coding strand, the complement: SLX4 is on the minus strand). VCF-style: chr16-3583179-T-G. GRCh37 (hg19) VCF-style: chr16-3633180-T-G.
Other names: short protein forms N1691H.
Identifiers: ClinVar variation 3668077 (VCV003668077.2).